The following is an entry in ClinVar:

NM_003482.4(KMT2D):c.11037A>G (p.Gln3679=)

Gene: KMT2D (lysine methyltransferase 2D; minus strand). Cytogenetic location: 12q13.12.
Variant type: single nucleotide variant.
Coding change: c.11037A>G on transcript NM_003482.4 (MANE Select); coding-DNA position 11037, A replaced by G.
Protein change: p.Gln3679=; no amino-acid change (glutamine 3679 retained).
Molecular consequence: synonymous variant.
Genome position (GRCh38, 1-based): chr12:49,033,668, T>C on the plus strand (A>G on the coding strand, the complement: KMT2D is on the minus strand). VCF-style: chr12-49033668-T-C. GRCh37 (hg19) VCF-style: chr12-49427451-T-C.
Identifiers: ClinVar variation 94143 (VCV000094143.41), dbSNP rs374418866, ClinGen allele CA221987.

ClinVar aggregate classification (germline): Conflicting classifications of pathogenicity. Review status: criteria provided, conflicting classifications (1 of 4 stars). 6 submissions from 6 submitters: Uncertain significance (1); Benign (1); Likely benign (4). Last evaluated 2026-05-01.

Conditions:
Kabuki syndrome. Also called: NIIKAWA-KUROKI SYNDROME; Kabuki make-up syndrome. Identifiers: Orphanet 2322, MedGen C0796004, MONDO:0016512.

Allele frequency attached by ClinVar (database versions not stated): ESP Exome Variant Server 0.00024; gnomAD exomes 0.00029 and 0.00047; ExAC 0.00036; gnomAD 0.00036 and 0.00038; TOPMed 0.00043; 1000 Genomes Project 0.00060; 1000 Genomes Project 30x 0.00062.
gnomAD v4.1: 722 of 1,613,708 alleles (0.045%); highest among the groups gnomAD compares: African/African-American, 0.061%; 1 homozygote.

Submissions (6):

CeGaT Center for Human Genetics Tuebingen
Classification: Likely benign. Last evaluated: 2026-05-01. Review status: criteria provided, single submitter. Criteria: CeGaT Center For Human Genetics Tuebingen Variant Classification Criteria Version 2. Collection method: clinical testing. Allele origin: germline. Affected: yes. Observed: 6 variant alleles.
Comment: KMT2D: BP4, BP7

Labcorp Genetics (formerly Invitae), Labcorp
Classification: Likely benign for Kabuki syndrome. Last evaluated: 2026-01-01. Review status: criteria provided, single submitter. Criteria: Invitae Variant Classification Sherloc (09022015). Collection method: clinical testing. Allele origin: germline.

Blueprint Genetics
Classification: Likely benign. Last evaluated: 2024-10-24. Review status: criteria provided, single submitter. Criteria: ACMG Guidelines, 2015. Collection method: clinical testing. Allele origin: germline.

GeneDx
Classification: Benign. Last evaluated: 2020-03-12. Review status: criteria provided, single submitter. Criteria: GeneDx Variant Classification Process June 2021. Collection method: clinical testing. Allele origin: germline. Affected: yes.

Eurofins Ntd Llc (ga)
Classification: Uncertain significance. Last evaluated: 2012-09-14. Review status: criteria provided, single submitter. Criteria: EGL Classification Definitions 2015. Collection method: clinical testing. Allele origin: germline. Observed: 1 variant allele, 1 heterozygote.

PreventionGenetics, part of Exact Sciences
Classification: Likely benign. Review status: criteria provided, single submitter. Criteria: ACMG Guidelines, 2015. Collection method: clinical testing. Allele origin: germline.